The following is an entry in ClinVar:

NM_004370.6(COL12A1):c.6961A>G (p.Lys2321Glu)

Gene: COL12A1 (collagen type XII alpha 1 chain; minus strand). Cytogenetic location: 6q13.
Variant type: single nucleotide variant.
Coding change: c.6961A>G on transcript NM_004370.6 (MANE Select); coding-DNA position 6961, A replaced by G.
Protein change: p.Lys2321Glu; replaces lysine 2321 with glutamic acid.
Molecular consequence: missense variant.
Genome position (GRCh38, 1-based): chr6:75,121,427, T>C on the plus strand (A>G on the coding strand, the complement: COL12A1 is on the minus strand). VCF-style: chr6-75121427-T-C. GRCh37 (hg19) VCF-style: chr6-75831143-T-C.
Other names: c.3469A>G, p.Lys1157Glu (NM_080645.3); short protein forms K1157E, K2321E.
Identifiers: ClinVar variation 835871 (VCV000835871.11), dbSNP rs1765724096, ClinGen allele CA364750474.
Genomic context (GRCh38, chr6:75,121,427, plus strand): 5'-TGTTAAAATTATCGTCCCCAATGCTCCAGGAGGCATCAGTCAAGAACACAATATCTGCCT[T>C]GGCCCCTTTGCATACTGCAAAAAAAGAAAGCAGAGGAAGCCCCAAATCTCATGAATTCTT-3'
Protein context (NP_004361.3, residues 2311-2331): PPARDVCKGA[Lys2321Glu]ADIVFLTDAS

ClinVar aggregate classification (germline): Uncertain significance. Review status: criteria provided, multiple submitters, no conflicts (2 of 4 stars). 2 submissions from 2 submitters: Uncertain significance (2). Last evaluated 2023-06-16.

Conditions:
Ullrich congenital muscular dystrophy 2 (UCMD2). Identifiers: Orphanet 75840, MedGen C4225314, MONDO:0014654, OMIM 616470.
Bethlem myopathy 2 (BTHLM2). Identifiers: Orphanet 536516, Orphanet 610, MedGen C4225313, MONDO:0034022, OMIM 616471.

Submissions (2):

New York Genome Center
Classification: Uncertain significance for Bethlem myopathy 2; Ullrich congenital muscular dystrophy 2. Last evaluated: 2023-06-16. Review status: criteria provided, single submitter. Criteria: NYGC Assertion Criteria 2020. Collection method: clinical testing. Allele origin: germline. Observed: 1 variant allele.

Labcorp Genetics (formerly Invitae), Labcorp
Classification: Uncertain significance for Bethlem myopathy 2; Ullrich congenital muscular dystrophy 2. Last evaluated: 2022-03-18. Review status: criteria provided, single submitter. Criteria: Invitae Variant Classification Sherloc (09022015). Collection method: clinical testing. Allele origin: germline.
Comment: This variant is not present in population databases (gnomAD no frequency). This sequence change replaces lysine, which is basic and polar, with glutamic acid, which is acidic and polar, at codon 2321 of the COL12A1 protein (p.Lys2321Glu). This variant has not been reported in the literature in individuals affected with COL12A1-related conditions. ClinVar contains an entry for this variant (Variation ID: 835871). Algorithms developed to predict the effect of missense changes on protein structure and function are either unavailable or do not agree on the potential impact of this missense change (SIFT: "Deleterious"; PolyPhen-2: "Probably Damaging"; Align-GVGD: "Class C0"). In summary, the available evidence is currently insufficient to determine the role of this variant in disease. Therefore, it has been classified as a Variant of Uncertain Significance.